The following is an entry in ClinVar:

ClinVar aggregate classification (germline): Likely pathogenic (1 of 4 stars; one submission).

Conditions:
RYR1-related disorder. Also called: RYR1-related condition; RYR1-related disorders. Identifiers: MedGen CN239331.

Submission:

Labcorp Genetics (formerly Invitae), Labcorp
Classification: Likely pathogenic for RYR1-related disorder. Last evaluated: 2025-05-13. Review status: criteria provided, single submitter. Criteria: Invitae Variant Classification Sherloc (09022015). Collection method: clinical testing. Allele origin: germline.
Comment: This sequence change affects a donor splice site in intron 52 of the RYR1 gene. It is expected to disrupt RNA splicing. Variants that disrupt the donor or acceptor splice site typically lead to a loss of protein function (PMID: 16199547), and loss-of-function variants in RYR1 are known to be pathogenic (PMID: 23919265, 25960145, 28818389, 30611313). This variant is not present in population databases (gnomAD no frequency). This variant has not been reported in the literature in individuals affected with RYR1-related conditions. Algorithms developed to predict the effect of sequence changes on RNA splicing suggest that this variant may disrupt the consensus splice site. In summary, the currently available evidence indicates that the variant is pathogenic, but additional data are needed to prove that conclusively. Therefore, this variant has been classified as Likely Pathogenic.

Literature cited by the submitters: PubMed 16199547; PubMed 23919265; PubMed 25960145; PubMed 28818389; PubMed 30611313.

NM_000540.3(RYR1):c.8310+2T>C

Gene: RYR1 (ryanodine receptor 1; plus strand). Cytogenetic location: 19q13.2.
Variant type: single nucleotide variant.
Coding change: c.8310+2T>C on transcript NM_000540.3 (MANE Select); the canonical splice donor site of the intron after coding-DNA position 8310, T replaced by C.
Molecular consequence: splice donor variant.
Genome position (GRCh38, 1-based): chr19:38,505,083, T>C. VCF-style: chr19-38505083-T-C. GRCh37 (hg19) VCF-style: chr19-38995723-T-C.
Other names: c.8310+2T>C (NM_001042723.2).
Identifiers: ClinVar variation 4716323 (VCV004716323.1).